The following is an entry in ClinVar:

ClinVar aggregate classification (germline): Benign (1 of 4 stars; one submission).

Allele frequency attached by ClinVar (database versions not stated): 1000 Genomes Project 30x 0.06590; 1000 Genomes Project 0.06609; TOPMed 0.12326; gnomAD 0.12896 and 0.13312.
gnomAD v4.1: 19,760 of 152,038 alleles (13%); highest among the groups gnomAD compares: Non-Finnish European, 19%; 1,633 homozygotes.

Submission:

GeneDx
Classification: Benign. Last evaluated: 2018-06-19. Review status: criteria provided, single submitter. Criteria: GeneDx Variant Classification (06012015). Collection method: clinical testing. Allele origin: germline. Affected: yes.
Comment: This variant is considered likely benign or benign based on one or more of the following criteria: it is a conservative change, it occurs at a poorly conserved position in the protein, it is predicted to be benign by multiple in silico algorithms, and/or has population frequency not consistent with disease.

NM_003384.3(VRK1):c.287-192G>T

Gene: VRK1 (VRK serine/threonine kinase 1; plus strand). Cytogenetic location: 14q32.2.
Variant type: single nucleotide variant.
Coding change: c.287-192G>T on transcript NM_003384.3 (MANE Select); 192 bases into the intron before coding-DNA position 287, G replaced by T.
Molecular consequence: intron variant.
Genome position (GRCh38, 1-based): chr14:96,847,065, G>T. VCF-style: chr14-96847065-G-T. GRCh37 (hg19) VCF-style: chr14-97313402-G-T.
Identifiers: ClinVar variation 672717 (VCV000672717.1), dbSNP rs10145354, ClinGen allele CA13984169.
Genomic context (GRCh38, chr14:96,847,065, plus strand): 5'-AAAATGCTTTTTGTAGATTTTTCATTTTAAAGACAATTTTAAGGGCAGGATAACAATTTT[G>T]TAGGTTAATAAAAATGTTTTCATCGTAAAATGCTTTTCGTTATTCGTTATACTGTATTCT-3'